The following is an entry in ClinVar:

ClinVar aggregate classification (germline): Uncertain significance (1 of 4 stars; one submission).

gnomAD v4.1: 6 of 1,613,274 alleles (0.00037%); highest among the groups gnomAD compares: South Asian, 0.0011%; no homozygotes.

Submission:

Labcorp Genetics (formerly Invitae), Labcorp
Classification: Uncertain significance. Last evaluated: 2025-07-05. Review status: criteria provided, single submitter. Criteria: Invitae Variant Classification Sherloc (09022015). Collection method: clinical testing. Allele origin: germline.
Comment: This sequence change replaces proline, which is neutral and non-polar, with serine, which is neutral and polar, at codon 220 of the DLL4 protein (p.Pro220Ser). This variant is present in population databases (rs760283132, gnomAD 0.003%). This variant has not been reported in the literature in individuals affected with DLL4-related conditions. An algorithm developed to predict the effect of missense changes on protein structure and function (PolyPhen-2) suggests that this variant is likely to be disruptive. In summary, the available evidence is currently insufficient to determine the role of this variant in disease. Therefore, it has been classified as a Variant of Uncertain Significance.

NM_019074.4(DLL4):c.658C>T (p.Pro220Ser)

Gene: DLL4 (delta like canonical Notch ligand 4; plus strand). Cytogenetic location: 15q15.1.
Variant type: single nucleotide variant.
Coding change: c.658C>T on transcript NM_019074.4 (MANE Select); coding-DNA position 658, C replaced by T.
Protein change: p.Pro220Ser; replaces proline 220 with serine.
Molecular consequence: missense variant.
Genome position (GRCh38, 1-based): chr15:40,931,766, C>T. VCF-style: chr15-40931766-C-T. GRCh37 (hg19) VCF-style: chr15-41223964-C-T.
Other names: short protein forms P220S.
Identifiers: ClinVar variation 4759966 (VCV004759966.1).